The following is an entry in ClinVar:

ClinVar aggregate classification (germline): Uncertain significance (1 of 4 stars; one submission).

Conditions:
Atrioventricular septal defect 4 (AVSD4). Identifiers: MedGen C3280781, MONDO:0013747, OMIM 614430.

Submission:

Labcorp Genetics (formerly Invitae), Labcorp
Classification: Uncertain significance for Atrioventricular septal defect 4. Last evaluated: 2024-12-23. Review status: criteria provided, single submitter. Criteria: Invitae Variant Classification Sherloc (09022015). Collection method: clinical testing. Allele origin: germline.
Comment: This sequence change replaces leucine, which is neutral and non-polar, with phenylalanine, which is neutral and non-polar, at codon 227 of the GATA4 protein (p.Leu227Phe). This variant is not present in population databases (gnomAD no frequency). This variant has not been reported in the literature in individuals affected with GATA4-related conditions. Invitae Evidence Modeling of protein sequence and biophysical properties (such as structural, functional, and spatial information, amino acid conservation, physicochemical variation, residue mobility, and thermodynamic stability) has been performed for this missense variant. However, the output from this modeling did not meet the statistical confidence thresholds required to predict the impact of this variant on GATA4 protein function. In summary, the available evidence is currently insufficient to determine the role of this variant in disease. Therefore, it has been classified as a Variant of Uncertain Significance.

NM_001308093.3(GATA4):c.682C>T (p.Leu228Phe)

Gene: GATA4 (GATA binding protein 4). Cytogenetic location: 8p23.1.
Variant type: single nucleotide variant.
Coding change: c.682C>T on transcript NM_001308093.3 (MANE Select); coding-DNA position 682, C replaced by T.
Protein change: p.Leu228Phe; replaces leucine 228 with phenylalanine.
Molecular consequence: missense variant.
Genome position (GRCh38, 1-based): chr8:11,748,981, C>T. VCF-style: chr8-11748981-C-T. GRCh37 (hg19) VCF-style: chr8-11606490-C-T.
Other names: c.61C>T, p.Leu21Phe (NM_001308094.2, NM_001374273.1, NM_001374274.1); c.679C>T, p.Leu227Phe (NM_002052.5); short protein forms L228F, L21F, L227F.
Identifiers: ClinVar variation 3721162 (VCV003721162.2).